The following is an entry in ClinVar:

ClinVar aggregate classification (germline): Uncertain significance (1 of 4 stars; one submission).

Allele frequency attached by ClinVar (database versions not stated): gnomAD exomes 0.00002.
gnomAD v4.1: 38 of 1,614,100 alleles (0.0024%); highest among the groups gnomAD compares: Middle Eastern, 0.016%; no homozygotes.

Submission:

Labcorp Genetics (formerly Invitae), Labcorp
Classification: Uncertain significance. Last evaluated: 2022-06-11. Review status: criteria provided, single submitter. Criteria: Invitae Variant Classification Sherloc (09022015). Collection method: clinical testing. Allele origin: germline.
Comment: This sequence change replaces asparagine, which is neutral and polar, with serine, which is neutral and polar, at codon 3007 of the DMXL2 protein (p.Asn3007Ser). The frequency data for this variant in the population databases is considered unreliable, as metrics indicate poor data quality at this position in the gnomAD database. This variant has not been reported in the literature in individuals affected with DMXL2-related conditions. Algorithms developed to predict the effect of missense changes on protein structure and function output the following: SIFT: "Tolerated"; PolyPhen-2: "Benign"; Align-GVGD: "Class C0". The serine amino acid residue is found in multiple mammalian species, which suggests that this missense change does not adversely affect protein function. In summary, the available evidence is currently insufficient to determine the role of this variant in disease. Therefore, it has been classified as a Variant of Uncertain Significance.

NM_001378457.1(DMXL2):c.9083A>G (p.Asn3028Ser)

Gene: DMXL2 (Dmx like 2; minus strand). Cytogenetic location: 15q21.2.
Variant type: single nucleotide variant.
Coding change: c.9083A>G on transcript NM_001378457.1 (MANE Select); coding-DNA position 9083, A replaced by G.
Protein change: p.Asn3028Ser; replaces asparagine 3028 with serine.
Molecular consequence: missense variant. On other transcripts: non-coding transcript variant (2).
Genome position (GRCh38, 1-based): chr15:51,449,078, T>C on the plus strand (A>G on the coding strand, the complement: DMXL2 is on the minus strand). VCF-style: chr15-51449078-T-C. GRCh37 (hg19) VCF-style: chr15-51741275-T-C.
Other names: c.9020A>G, p.Asn3007Ser (NM_001174116.3); c.7109A>G, p.Asn2370Ser (NM_001174117.3); c.9080A>G, p.Asn3027Ser (NM_001378458.1); c.8795A>G, p.Asn2932Ser (NM_001378459.1); c.6998A>G, p.Asn2333Ser (NM_001378460.1); c.9017A>G, p.Asn3006Ser (NM_015263.5); short protein forms N2932S, N3007S, N2333S, N2370S, N3006S, N3027S, N3028S.
Identifiers: ClinVar variation 1933759 (VCV001933759.2), dbSNP rs1389173973, ClinGen allele CA392428880.